The following is an entry in ClinVar:

NM_022051.3(EGLN1):c.256_259delinsGCCG (p.Pro86_Arg87delinsAlaGly)

Gene: EGLN1 (egl-9 family hypoxia inducible factor 1; minus strand). Cytogenetic location: 1q42.2.
Variant type: Indel.
Coding change: c.256_259delinsGCCG on transcript NM_022051.3 (MANE Select); coding-DNA positions 256 to 259, CCCA replaced by GCCG.
Protein change: p.Pro86_Arg87delinsAlaGly.
Molecular consequence: missense variant.
Genome position (GRCh38, 1-based): chr1:231,421,630-231,421,633, TGGG replaced by CGGC on the plus strand (CCCA replaced by GCCG on the coding strand, the reverse complement: EGLN1 is on the minus strand). VCF-style: chr1-231421630-TGGG-CGGC. GRCh37 (hg19) VCF-style: chr1-231557376-TGGG-CGGC.
Other names: c.256_259delinsGCCG, p.Pro86_Arg87delinsAlaGly (NM_001377260.1, NM_001377261.1).
Identifiers: ClinVar variation 3843878 (VCV003843878.1).
Genomic context (GRCh38, chr1:231,421,630, plus strand): 5'-CGTCCCCGGAGGCGTTGTCCCGGCGCGCCGCTGCCTTCCTGGGCTCCCGGGCCCCGGCCC[TGGG>CGGC]CGGCGGCACTGCAGCCGGCGGCGCGGGGCCGGAATGCTGGTGTGGGCCCACTCCGTGGCC-3'

ClinVar aggregate classification (germline): Uncertain significance (1 of 4 stars; one submission).

Submission:

Ambry Genetics
Classification: Uncertain significance. Last evaluated: 2025-01-10. Review status: criteria provided, single submitter. Criteria: Ambry Variant Classification Scheme 2023. Collection method: clinical testing. Allele origin: germline.
Comment: The c.256_259delCCCAinsGCCG variant (also known as p.P86_R87delinsAG), located in coding exon 1 of the EGLN1 gene, results from an in-frame deletion of CCCA and insertion of GCCG at nucleotide positions 256 to 259. This results in the substitution of the proline and arginine residues for alanine and glycine residues at codons 86 and 87. This amino acid region is poorly conserved in available vertebrate species. The evidence for this gene-disease relationship is limited; therefore, the clinical significance of this alteration is unclear.